The following is an entry in ClinVar:

NM_006231.4(POLE):c.2562-20G>C

Gene: POLE (DNA polymerase epsilon, catalytic subunit; minus strand). Cytogenetic location: 12q24.33.
Variant type: single nucleotide variant.
Coding change: c.2562-20G>C on transcript NM_006231.4 (MANE Select); 20 bases into the intron before coding-DNA position 2562, G replaced by C.
Molecular consequence: intron variant.
Genome position (GRCh38, 1-based): chr12:132,664,168, C>G on the plus strand (G>C on the coding strand, the complement: POLE is on the minus strand). VCF-style: chr12-132664168-C-G. GRCh37 (hg19) VCF-style: chr12-133240754-C-G.
Identifiers: ClinVar variation 388239 (VCV000388239.8), dbSNP rs557791800, ClinGen allele CA16606168.
Genomic context (GRCh38, chr12:132,664,168, plus strand): 5'-GGACGCACCATATACCATCTGTGTCCAGCTCTAAGGGCCTCCTTCAGAGAAAGAGAGGAG[C>G]AAGGTCGTGAGTTCCCCTTTCCTTTTCACCCAGTGTGTGGCCTCCAGCCTTCCCTCCTTC-3'

ClinVar aggregate classification (germline): Likely benign. Review status: criteria provided, multiple submitters, no conflicts (2 of 4 stars). 2 submissions from 2 submitters: Likely benign (2). Last evaluated 2025-11-24.

Allele frequency attached by ClinVar (database versions not stated): gnomAD 0.00001; TOPMed 0.00001.
gnomAD v4.1: 3 of 1,612,790 alleles (0.00019%); no homozygotes.

Submissions (2):

Labcorp Genetics (formerly Invitae), Labcorp
Classification: Likely benign. Last evaluated: 2025-11-24. Review status: criteria provided, single submitter. Criteria: Invitae Variant Classification Sherloc (09022015). Collection method: clinical testing. Allele origin: germline.

GeneDx
Classification: Likely benign. Last evaluated: 2016-07-29. Review status: criteria provided, single submitter. Criteria: GeneDx Variant Classification (06012015). Collection method: clinical testing. Allele origin: germline. Affected: yes.
Comment: This variant is considered likely benign or benign based on one or more of the following criteria: it is a conservative change, it occurs at a poorly conserved position in the protein, it is predicted to be benign by multiple in silico algorithms, and/or has population frequency not consistent with disease.